The following is an entry in ClinVar:

ClinVar aggregate classification (germline): Uncertain significance. Review status: criteria provided, multiple submitters, no conflicts (2 of 4 stars). 2 submissions from 2 submitters: Uncertain significance (2). Last evaluated 2024-08-01.

Conditions:
Primary ciliary dyskinesia. Also called: Ciliary dyskinesia. Identifiers: Orphanet 244, MedGen C0008780, MONDO:0016575, HP:0012265.

Allele frequency attached by ClinVar (database versions not stated): TOPMed 0.00009; gnomAD 0.00011; 1000 Genomes Project 0.00020; 1000 Genomes Project 30x 0.00031.
gnomAD v4.1: 45 of 1,614,174 alleles (0.0028%); highest among the groups gnomAD compares: African/African-American, 0.025%; no homozygotes.

Submissions (2):

Labcorp Genetics (formerly Invitae), Labcorp
Classification: Uncertain significance for Primary ciliary dyskinesia. Last evaluated: 2024-08-01. Review status: criteria provided, single submitter. Criteria: Invitae Variant Classification Sherloc (09022015). Collection method: clinical testing. Allele origin: germline.
Comment: This sequence change replaces aspartic acid, which is acidic and polar, with asparagine, which is neutral and polar, at codon 59 of the DNAI1 protein (p.Asp59Asn). This variant is present in population databases (rs565990305, gnomAD 0.03%). This variant has not been reported in the literature in individuals affected with DNAI1-related conditions. Advanced modeling of protein sequence and biophysical properties (such as structural, functional, and spatial information, amino acid conservation, physicochemical variation, residue mobility, and thermodynamic stability) performed at Invitae indicates that this missense variant is not expected to disrupt DNAI1 protein function with a negative predictive value of 80%. In summary, the available evidence is currently insufficient to determine the role of this variant in disease. Therefore, it has been classified as a Variant of Uncertain Significance.

Ambry Genetics
Classification: Uncertain significance for Primary ciliary dyskinesia. Last evaluated: 2024-02-14. Review status: criteria provided, single submitter. Criteria: Ambry Variant Classification Scheme 2023. Collection method: clinical testing. Allele origin: germline.

NM_012144.4(DNAI1):c.175G>A (p.Asp59Asn)

Gene: DNAI1 (dynein axonemal intermediate chain 1; plus strand). Cytogenetic location: 9p13.3.
Variant type: single nucleotide variant.
Coding change: c.175G>A on transcript NM_012144.4 (MANE Select); coding-DNA position 175, G replaced by A.
Protein change: p.Asp59Asn; replaces aspartic acid 59 with asparagine.
Molecular consequence: missense variant.
Genome position (GRCh38, 1-based): chr9:34,485,235, G>A. VCF-style: chr9-34485235-G-A. GRCh37 (hg19) VCF-style: chr9-34485233-G-A.
Other names: c.175G>A, p.Asp59Asn (NM_001281428.2); short protein forms D59N.
Identifiers: ClinVar variation 3084248 (VCV003084248.2), dbSNP rs565990305, ClinGen allele CA5033943.